The following is an entry in ClinVar:

NM_001009944.3(PKD1):c.13_25dup (p.Leu9fs)

Gene: PKD1 (polycystin 1, transient receptor potential channel interacting; minus strand). Cytogenetic location: 16p13.3.
Variant type: Duplication.
Coding change: c.13_25dup on transcript NM_001009944.3 (MANE Select); coding-DNA positions 13 to 25, 13 bases duplicated (GCGCCCGCCCGCC).
Protein change: p.Leu9fs; shifts the reading frame from leucine 9.
Molecular consequence: frameshift variant.
Genome position (GRCh38, 1-based): chr16:2,135,665-2,135,677, GGCGGGCGGGCGC duplicated on the plus strand (GCGCCCGCCCGCC on the coding strand, the reverse complement: PKD1 is on the minus strand); duplicating any 13 consecutive bases within chr16:2,135,665-2,135,686 gives the same sequence; the c. name uses the placement nearest the transcript's 3' end. VCF-style (leftmost placement, unchanged base first): chr16-2135664-A-AGGCGGGCGGGCGC. GRCh37 (hg19) VCF-style: chr16-2185665-A-AGGCGGGCGGGCGC.
Other names: c.13_25dup13 (NM_001009944.2); c.13_25dup, p.Leu9fs (NM_000296.4); short protein forms L9fs.
Identifiers: ClinVar variation 4997215 (VCV004997215.1).
Genomic context (GRCh38, chr16:2,135,664, plus strand): 5'-CCGCGCCCGGGGCCCCCCGCCAGCGCCCCGAGCCACAGGCCCAGGCCCAGGGCCAGCGCC[A>AGGCGGGCGGGCGC]GGCGGGCGGGCGCGGCGGGCGGCATCGTTAGGGCAGCGCGCGCATGGCCCCGCCGTCCCC-3'

ClinVar aggregate classification (germline): Pathogenic (1 of 4 stars; one submission).

Conditions:
PKD1-related disorder. Also called: PKD1-related condition.

Submission:

PreventionGenetics, part of Exact Sciences
Classification: Pathogenic for PKD1-related condition. Last evaluated: 2025-04-14. Review status: criteria provided, single submitter. Criteria: ACMG Guidelines, 2015. Collection method: clinical testing. Allele origin: germline.
Comment: The PKD1 c.13_25dup13 variant is predicted to result in a frameshift and premature protein termination (p.Leu9Argfs*109). To our knowledge, this variant has not been reported in the literature or in a large population database (gnomAD), indicating this variant is rare. Frameshift variants in PKD1 are expected to be pathogenic. Of note, variants resulting in premature protein termination upstream of p.Leu9Argfs*109 have been widely reported to be pathogenic for autosomal dominant polycystic kidney disease (ADPKD) (see for example, c.74del, p.Gly25Alafs*48 in Table S1, Kimura et al. 2023. PubMed ID: 37509056; c.90C>A, p.Cys30* in Liu et al. 2015. PubMed ID: 26632257; c.111C>A, p.Cys37* in Hoefele et al. 2010. PubMed ID: 21115670). The c.13_25dup13 (p.Leu9Argfs*109) variant is interpreted as pathogenic.